The following is an entry in ClinVar:

ClinVar aggregate classification (germline): Pathogenic/Likely pathogenic. Review status: criteria provided, multiple submitters, no conflicts (2 of 4 stars). 3 submissions from 3 submitters: Pathogenic (1); Likely pathogenic (1). 1 of the submissions does not count toward it. Last evaluated 2021-01-01.

Conditions:
Developmental and epileptic encephalopathy, 24 (DEE24). Also called: Epileptic encephalopathy, early infantile, 24. Identifiers: Orphanet 442835, MedGen C4014531, MONDO:0014377, OMIM 615871.
Severe myoclonic epilepsy in infancy (DRVT). Also called: Epileptic encephalopathy, early infantile, 6 (Dravet syndrome); Dravet syndrome; SEVERE MYOCLONIC EPILEPSY OF INFANCY; DEVELOPMENTAL AND EPILEPTIC ENCEPHALOPATHY 6A; Severe Myoclonic Epilepsy in Infancy (SMEI). Identifiers: Orphanet 33069, MedGen C0751122, MONDO:0100135, OMIM 607208.
Epileptic encephalopathy. Identifiers: MedGen C0543888, HP:0200134.

Submissions (3):

Unidad de Genómica Garrahan, Hospital de Pediatría Garrahan
Classification: Pathogenic for Severe myoclonic epilepsy in infancy. Last evaluated: 2021-01-01. Review status: criteria provided, single submitter. Criteria: ACMG Guidelines, 2015. Collection method: clinical testing. Allele origin: de novo. Affected: yes. Observed: 1 variant allele.
Comment: PS1, PM2, PM6, PP2, PP3

Neurogenetics Laboratory - MEYER, AOU Meyer
Classification: Likely pathogenic for Epileptic encephalopathy. Last evaluated: 2016-11-16. Review status: criteria provided, single submitter. Criteria: ACMG Guidelines, 2015. Collection method: clinical testing. Allele origin: de novo. Affected: yes. Observed: 1 heterozygote.

OMIM
Classification: Pathogenic for DEVELOPMENTAL AND EPILEPTIC ENCEPHALOPATHY 24. Last evaluated: 2020-10-13. Review status: no assertion criteria provided. Collection method: literature only. Allele origin: germline. Not counted in ClinVar's aggregate classification.

Literature cited by the submitters: DOI 10.1055/s-0044-1786365 (cited by Unidad de Genómica Garrahan, Hospital de Pediatría Garrahan); PubMed 30351409 (cited by OMIM).

NM_021072.4(HCN1):c.459G>C (p.Met153Ile)

Gene: HCN1 (hyperpolarization activated cyclic nucleotide gated potassium channel 1; minus strand). Cytogenetic location: 5p12.
Variant type: single nucleotide variant.
Coding change: c.459G>C on transcript NM_021072.4 (MANE Select); coding-DNA position 459, G replaced by C.
Protein change: p.Met153Ile; replaces methionine 153 with isoleucine.
Molecular consequence: missense variant.
Genome position (GRCh38, 1-based): chr5:45,645,575, C>G on the plus strand (G>C on the coding strand, the complement: HCN1 is on the minus strand). VCF-style: chr5-45645575-C-G. GRCh37 (hg19) VCF-style: chr5-45645677-C-G.
Other names: NP_066550.2:p.(Met153Ile); short protein forms M153I.
Identifiers: ClinVar variation 375530 (VCV000375530.5), dbSNP rs1057519548, ClinGen allele CA16044318.